The following is an entry in ClinVar:

NM_001098.3(ACO2):c.2299C>T (p.Arg767Cys)

Genes: ACO2 (aconitase 2; plus strand), POLR3H (RNA polymerase III subunit H; minus strand). Cytogenetic location: 22q13.2.
Variant type: single nucleotide variant.
Coding change: c.2299C>T on transcript NM_001098.3 (MANE Select); coding-DNA position 2299, C replaced by T.
Protein change: p.Arg767Cys; replaces arginine 767 with cysteine.
Molecular consequence: missense variant. On other transcripts: 3 prime UTR variant (5).
Genome position (GRCh38, 1-based): chr22:41,528,569, C>T. VCF-style: chr22-41528569-C-T. GRCh37 (hg19) VCF-style: chr22-41924573-C-T.
Other names: c.*714G>A (NM_001018050.4, NM_001018052.4, NM_001282884.2 and 2 more transcripts); short protein forms R767C.
Identifiers: ClinVar variation 1446769 (VCV001446769.7), dbSNP rs201102346, ClinGen allele CA10257963.

ClinVar aggregate classification (germline): Uncertain significance. Review status: criteria provided, multiple submitters, no conflicts (2 of 4 stars). 2 submissions from 2 submitters: Uncertain significance (2). Last evaluated 2025-11-01.

Allele frequency attached by ClinVar (database versions not stated): gnomAD exomes 0.00002 and 0.00004; TOPMed 0.00004; gnomAD 0.00005 and 0.00006; ExAC 0.00006; ESP Exome Variant Server 0.00008.
gnomAD v4.1: 33 of 1,612,850 alleles (0.002%); highest among the groups gnomAD compares: South Asian, 0.015%; no homozygotes.

Submissions (2):

Labcorp Genetics (formerly Invitae), Labcorp
Classification: Uncertain significance. Last evaluated: 2025-11-01. Review status: criteria provided, single submitter. Criteria: Invitae Variant Classification Sherloc (09022015). Collection method: clinical testing. Allele origin: germline.
Comment: This sequence change replaces arginine, which is basic and polar, with cysteine, which is neutral and slightly polar, at codon 767 of the ACO2 protein (p.Arg767Cys). This variant is present in population databases (rs201102346, gnomAD 0.02%). This missense change has been observed in individual(s) with optic atrophy and retinal disease (PMID: 34448047). ClinVar contains an entry for this variant (Variation ID: 1446769). Invitae Evidence Modeling of protein sequence and biophysical properties (such as structural, functional, and spatial information, amino acid conservation, physicochemical variation, residue mobility, and thermodynamic stability) indicates that this missense variant is not expected to disrupt ACO2 protein function with a negative predictive value of 80%. In summary, the available evidence is currently insufficient to determine the role of this variant in disease. Therefore, it has been classified as a Variant of Uncertain Significance.

Blueprint Genetics
Classification: Uncertain significance. Last evaluated: 2024-10-10. Review status: criteria provided, single submitter. Criteria: ACMG Guidelines, 2015. Collection method: clinical testing. Allele origin: germline.

Literature cited by the submitters: PubMed 34448047 (cited by Labcorp Genetics (formerly Invitae), Labcorp).